The following is an entry in ClinVar:

NM_000038.6(APC):c.4247G>T (p.Gly1416Val)

Gene: APC (APC regulator of Wnt signaling pathway; plus strand). Cytogenetic location: 5q22.2.
Variant type: single nucleotide variant.
Coding change: c.4247G>T on transcript NM_000038.6 (MANE Select); coding-DNA position 4247, G replaced by T.
Protein change: p.Gly1416Val; replaces glycine 1416 with valine.
Molecular consequence: missense variant. On other transcripts: non-coding transcript variant (2).
Genome position (GRCh38, 1-based): chr5:112,839,841, G>T. VCF-style: chr5-112839841-G-T. GRCh37 (hg19) VCF-style: chr5-112175538-G-T.
Other names: c.3998G>T, p.Gly1333Val (NM_001407457.1, NM_001407454.1, NM_001407455.1 and 1 more transcripts); c.3944G>T, p.Gly1315Val (NM_001407458.1, NM_001407459.1, NM_001407460.1 and 1 more transcripts); c.3860G>T, p.Gly1287Val (NM_001407467.1, NM_001407469.1); c.3398G>T, p.Gly1133Val (NM_001407470.1, NM_001354906.2); c.3095G>T, p.Gly1032Val (NM_001407471.1, NM_001407472.1); c.4247G>T (NM_000038.5); c.4247G>T, p.Gly1416Val (NM_001127510.3, NM_001354895.2, NM_001407450.1); c.4193G>T, p.Gly1398Val (NM_001127511.3); and 12 more; short protein forms G1325V, G1287V, G1290V, G1315V, G1375V, G1406V, G1133V, G1256V.
Identifiers: ClinVar variation 3635457 (VCV003635457.3).
Genomic context (GRCh38, chr5:112,839,841, plus strand): 5'-TTGAGAGTCGTTCGATTGCCAGCTCCGTTCAGAGTGAACCATGCAGTGGAATGGTAAGTG[G>T]CATTATAAGCCCCAGTGATCTTCCAGATAGCCCTGGACAAACCATGCCACCAAGCAGAAG-3'
Protein context (NP_000029.2, residues 1406-1426): QSEPCSGMVS[Gly1416Val]IISPSDLPDS

ClinVar aggregate classification (germline): Uncertain significance. Review status: criteria provided, multiple submitters, no conflicts (2 of 4 stars). 2 submissions from 2 submitters: Uncertain significance (2). Last evaluated 2026-07-06.

Conditions:
Familial adenomatous polyposis 1 (FAP1). Also called: FAMILIAL ADENOMATOUS POLYPOSIS 1, ATTENUATED; POLYPOSIS, ADENOMATOUS INTESTINAL. Identifiers: MedGen C2713442, MONDO:0021056, OMIM 175100. Disease mechanism: loss of function.
Hereditary cancer-predisposing syndrome. Also called: Hereditary neoplastic syndrome; Neoplastic Syndromes, Hereditary; Tumor predisposition; Hereditary Cancer Syndrome. Identifiers: Orphanet 140162, MedGen C0027672, MeSH D009386, MONDO:0015356.

Submissions (2):

Ambry Genetics
Classification: Uncertain significance for Hereditary cancer-predisposing syndrome. Last evaluated: 2026-07-06. Review status: criteria provided, single submitter. Criteria: Ambry Variant Classification Scheme 2023. Collection method: clinical testing. Allele origin: germline.
Comment: The p.G1416V variant (also known as c.4247G>T), located in coding exon 15 of the APC gene, results from a G to T substitution at nucleotide position 4247. The glycine at codon 1416 is replaced by valine, an amino acid with dissimilar properties. This amino acid position is conserved. In addition, in silico predictors for this gene do not accurately predict pathogenicity. Based on the available evidence, the clinical significance of this variant remains unclear.

Labcorp Genetics (formerly Invitae), Labcorp
Classification: Uncertain significance for Familial adenomatous polyposis 1. Last evaluated: 2024-09-22. Review status: criteria provided, single submitter. Criteria: Invitae Variant Classification Sherloc (09022015). Collection method: clinical testing. Allele origin: germline.
Comment: This sequence change replaces glycine, which is neutral and non-polar, with valine, which is neutral and non-polar, at codon 1416 of the APC protein (p.Gly1416Val). This variant is not present in population databases (gnomAD no frequency). This variant has not been reported in the literature in individuals affected with APC-related conditions. Invitae Evidence Modeling of protein sequence and biophysical properties (such as structural, functional, and spatial information, amino acid conservation, physicochemical variation, residue mobility, and thermodynamic stability) has been performed for this missense variant. However, the output from this modeling did not meet the statistical confidence thresholds required to predict the impact of this variant on APC protein function. In summary, the available evidence is currently insufficient to determine the role of this variant in disease. Therefore, it has been classified as a Variant of Uncertain Significance.